The following is an entry in ClinVar:

NM_000506.5(F2):c.1159C>T (p.Gln387Ter)

Gene: F2 (coagulation factor II, thrombin; plus strand). Cytogenetic location: 11p11.2.
Variant type: single nucleotide variant.
Coding change: c.1159C>T on transcript NM_000506.5 (MANE Select); coding-DNA position 1159, C replaced by T.
Protein change: p.Gln387Ter; replaces glutamine 387 with a stop codon.
Molecular consequence: nonsense.
Genome position (GRCh38, 1-based): chr11:46,728,024, C>T. VCF-style: chr11-46728024-C-T. GRCh37 (hg19) VCF-style: chr11-46749574-C-T.
Other names: short protein forms Q387*.
Identifiers: ClinVar variation 1324366 (VCV001324366.5), dbSNP rs2064886777, ClinGen allele CA380269304.

ClinVar aggregate classification (germline): Pathogenic/Likely pathogenic. Review status: criteria provided, multiple submitters, no conflicts (2 of 4 stars). 2 submissions from 2 submitters: Pathogenic (1); Likely pathogenic (1). Last evaluated 2023-03-01.

Conditions:
Congenital prothrombin deficiency. Also called: Factor II deficiency; HYPOPROTHROMBINEMIA; Hereditary factor II deficiency disease; Inherited hypoprothrombinemia; Congenital factor II deficiency; Inherited prothrombin deficiency. Identifiers: Orphanet 325, MedGen C0272317, MONDO:0013361, OMIM 613679.

Allele frequency attached by ClinVar (database versions not stated): gnomAD exomes below 0.00001; TOPMed below 0.00001.
gnomAD v4.1: 1 of 1,611,036 alleles (0.000062%); highest among the groups gnomAD compares: Non-Finnish European, 0.000085%; no homozygotes.

Submissions (2):

Labcorp Genetics (formerly Invitae), Labcorp
Classification: Pathogenic for Congenital prothrombin deficiency. Last evaluated: 2023-03-01. Review status: criteria provided, single submitter. Criteria: Invitae Variant Classification Sherloc (09022015). Collection method: clinical testing. Allele origin: germline.
Comment: This sequence change creates a premature translational stop signal (p.Gln387*) in the F2 gene. It is expected to result in an absent or disrupted protein product. Loss-of-function variants in F2 are known to be pathogenic (PMID: 23852823). This variant is not present in population databases (gnomAD no frequency). This variant has not been reported in the literature in individuals affected with F2-related conditions. ClinVar contains an entry for this variant (Variation ID: 1324366). For these reasons, this variant has been classified as Pathogenic.

Revvity Omics, Revvity
Classification: Likely pathogenic. Last evaluated: 2021-03-30. Review status: criteria provided, single submitter. Criteria: ACMG Guidelines, 2015. Collection method: clinical testing. Allele origin: germline.

Literature cited by the submitters: PubMed 23852823 (cited by Labcorp Genetics (formerly Invitae), Labcorp).